The following is an entry in ClinVar:

NM_001199107.2(TBC1D24):c.1574G>A (p.Gly525Asp)

Gene: TBC1D24 (TBC1 domain family member 24; plus strand). Cytogenetic location: 16p13.3.
Variant type: single nucleotide variant.
Coding change: c.1574G>A on transcript NM_001199107.2 (MANE Select); coding-DNA position 1574, G replaced by A.
Protein change: p.Gly525Asp; replaces glycine 525 with aspartic acid.
Molecular consequence: missense variant.
Genome position (GRCh38, 1-based): chr16:2,500,852, G>A. VCF-style: chr16-2500852-G-A. GRCh37 (hg19) VCF-style: chr16-2550853-G-A.
Other names: c.1556G>A, p.Gly519Asp (NM_020705.3); short protein forms G525D, G519D.
Identifiers: ClinVar variation 1963150 (VCV001963150.5), dbSNP rs2505529012, ClinGen allele CA394381617.

ClinVar aggregate classification (germline): Uncertain significance (1 of 4 stars; one submission).

Conditions:
Developmental and epileptic encephalopathy, 1 (DEE1). Also called: X-linked infantile spasms; West's syndrome; Tonic spasms with clustering, arrest of psychomotor development and hypsarrhythmia on EEG; X-Linked Infantile Spasm Syndrome; OHTAHARA SYNDROME, X-LINKED; INFANTILE SPASM SYNDROME, X-LINKED 1. Identifiers: MedGen C3463992, MONDO:0010632, OMIM 308350. Disease mechanism: loss of function.
Autosomal dominant nonsyndromic hearing loss 65. Also called: Deafness, autosomal dominant 65; TBC1D24-Related Autosomal Dominant Nonsyndromic Hearing Loss (DFNA). Identifiers: Orphanet 90635, MedGen C3892048, MONDO:0014470, OMIM 616044.

Allele frequency attached by ClinVar (database versions not stated): gnomAD exomes below 0.00001.

Submission:

Labcorp Genetics (formerly Invitae), Labcorp
Classification: Uncertain significance for Developmental and epileptic encephalopathy, 1; Autosomal dominant nonsyndromic hearing loss 65. Last evaluated: 2022-01-19. Review status: criteria provided, single submitter. Criteria: Invitae Variant Classification Sherloc (09022015). Collection method: clinical testing. Allele origin: germline.
Comment: This sequence change replaces glycine, which is neutral and non-polar, with aspartic acid, which is acidic and polar, at codon 525 of the TBC1D24 protein (p.Gly525Asp). This variant is not present in population databases (gnomAD no frequency). This variant has not been reported in the literature in individuals affected with TBC1D24-related conditions. Advanced modeling of protein sequence and biophysical properties (such as structural, functional, and spatial information, amino acid conservation, physicochemical variation, residue mobility, and thermodynamic stability) performed at Invitae indicates that this missense variant is expected to disrupt TBC1D24 protein function. In summary, the available evidence is currently insufficient to determine the role of this variant in disease. Therefore, it has been classified as a Variant of Uncertain Significance.